The following is an entry in ClinVar:

ClinVar aggregate classification (germline): Uncertain significance. Review status: criteria provided, multiple submitters, no conflicts (2 of 4 stars). 2 submissions from 2 submitters: Uncertain significance (2). Last evaluated 2024-10-08.

Conditions:
Mitochondrial complex I deficiency. Also called: NADH:Q(1) OXIDOREDUCTASE DEFICIENCY. Identifiers: Orphanet 2609, MedGen C1838979, MeSH C537475, MONDO:0100133.

Allele frequency attached by ClinVar (database versions not stated): gnomAD exomes below 0.00001 and 0.00003; ExAC 0.00001; gnomAD 0.00001; TOPMed 0.00003.
gnomAD v4.1: 41 of 1,614,060 alleles (0.0025%); highest among the groups gnomAD compares: Non-Finnish European, 0.0031%; no homozygotes.

Submissions (2):

GeneDx
Classification: Uncertain significance. Last evaluated: 2024-10-08. Review status: criteria provided, single submitter. Criteria: GeneDx Variant Classification Process June 2021. Collection method: clinical testing. Allele origin: germline. Affected: yes.
Comment: Not observed at significant frequency in large population cohorts (gnomAD); In silico analysis supports that this missense variant does not alter protein structure/function; Has not been previously published as pathogenic or benign to our knowledge

Labcorp Genetics (formerly Invitae), Labcorp
Classification: Uncertain significance. Last evaluated: 2021-04-27. Review status: criteria provided, single submitter. Criteria: Invitae Variant Classification Sherloc (09022015). Collection method: clinical testing. Allele origin: germline.
Comment: In summary, the available evidence is currently insufficient to determine the role of this variant in disease. Therefore, it has been classified as a Variant of Uncertain Significance. Algorithms developed to predict the effect of missense changes on protein structure and function (SIFT, PolyPhen-2, Align-GVGD) all suggest that this variant is likely to be tolerated, but these predictions have not been confirmed by published functional studies and their clinical significance is uncertain. This variant has not been reported in the literature in individuals with NDUFAF6-related conditions. This variant is present in population databases (rs761183883, ExAC 0.02%). This sequence change replaces methionine with leucine at codon 237 of the NDUFAF6 protein (p.Met237Leu). The methionine residue is moderately conserved and there is a small physicochemical difference between methionine and leucine.

NM_152416.4(NDUFAF6):c.709A>T (p.Met237Leu)

Gene: NDUFAF6 (NADH:ubiquinone oxidoreductase complex assembly factor 6; plus strand). Cytogenetic location: 8q22.1.
Variant type: single nucleotide variant.
Coding change: c.709A>T on transcript NM_152416.4 (MANE Select); coding-DNA position 709, A replaced by T.
Protein change: p.Met237Leu; replaces methionine 237 with leucine.
Molecular consequence: missense variant. On other transcripts: non-coding transcript variant (5).
Genome position (GRCh38, 1-based): chr8:95,047,122, A>T. VCF-style: chr8-95047122-A-T. GRCh37 (hg19) VCF-style: chr8-96059350-A-T.
Other names: c.709A>T (NM_152416.3, NM_152416.2); c.433A>T, p.Met145Leu (NM_001330582.2, NM_001354514.2, NM_001354515.2 and 1 more transcripts); c.553A>T, p.Met185Leu (NM_001354516.2); c.376A>T, p.Met126Leu (NM_001354517.2, NM_001354518.2, NM_001354519.2 and 1 more transcripts); c.253A>T, p.Met85Leu (NM_001354522.2, NM_001354524.2, NM_001354525.2 and 7 more transcripts); short protein forms M126L, M237L, M145L, M85L, M185L.
Identifiers: ClinVar variation 1466133 (VCV001466133.10), dbSNP rs761183883, ClinGen allele CA4814870.